The following is an entry in ClinVar:

NM_014795.4(ZEB2):c.2002G>A (p.Glu668Lys)

Gene: ZEB2 (zinc finger E-box binding homeobox 2; minus strand). Cytogenetic location: 2q22.3.
Variant type: single nucleotide variant.
Coding change: c.2002G>A on transcript NM_014795.4 (MANE Select); coding-DNA position 2002, G replaced by A.
Protein change: p.Glu668Lys; replaces glutamic acid 668 with lysine.
Molecular consequence: missense variant.
Genome position (GRCh38, 1-based): chr2:144,399,185, C>T on the plus strand (G>A on the coding strand, the complement: ZEB2 is on the minus strand). VCF-style: chr2-144399185-C-T. GRCh37 (hg19) VCF-style: chr2-145156752-C-T.
Other names: c.1930G>A, p.Glu644Lys (NM_001171653.2); short protein forms E668K, E644K.
Identifiers: ClinVar variation 3718875 (VCV003718875.2).
Genomic context (GRCh38, chr2:144,399,185, plus strand): 5'-CAAATTCCTGAGGAAGGCCCACAGCAATGGAAATTTTCAGCAGTTCATCGGAGTTGGGCT[C>T]CATGTTCATAGCATAGTATGCTTTGAGTACAGACATGTGGTCCTTGTATGGGTTGATGGG-3'
Protein context (NP_055610.1, residues 658-678): VLKAYYAMNM[Glu668Lys]PNSDELLKIS

ClinVar aggregate classification (germline): Uncertain significance (1 of 4 stars; one submission).

Conditions:
Mowat-Wilson syndrome (MOWS). Also called: Classic Mowat-Wilson Syndrome. Identifiers: Orphanet 2152, MedGen C1856113, MONDO:0009341, OMIM 235730.

gnomAD v4.1: 2 of 1,614,010 alleles (0.00012%); highest among the groups gnomAD compares: South Asian, 0.0011%; no homozygotes.

Submission:

Labcorp Genetics (formerly Invitae), Labcorp
Classification: Uncertain significance for Mowat-Wilson syndrome. Last evaluated: 2024-03-07. Review status: criteria provided, single submitter. Criteria: Invitae Variant Classification Sherloc (09022015). Collection method: clinical testing. Allele origin: germline.
Comment: This sequence change replaces glutamic acid, which is acidic and polar, with lysine, which is basic and polar, at codon 668 of the ZEB2 protein (p.Glu668Lys). This variant is not present in population databases (gnomAD no frequency). This variant has not been reported in the literature in individuals affected with ZEB2-related conditions. Advanced modeling of protein sequence and biophysical properties (such as structural, functional, and spatial information, amino acid conservation, physicochemical variation, residue mobility, and thermodynamic stability) performed at Invitae indicates that this missense variant is not expected to disrupt ZEB2 protein function with a negative predictive value of 80%. In summary, the available evidence is currently insufficient to determine the role of this variant in disease. Therefore, it has been classified as a Variant of Uncertain Significance.